The following is an entry in ClinVar:

NM_000059.4(BRCA2):c.5557T>C (p.Cys1853Arg)

Gene: BRCA2 (BRCA2 DNA repair associated; plus strand). Cytogenetic location: 13q13.1.
Variant type: single nucleotide variant.
Coding change: c.5557T>C on transcript NM_000059.4 (MANE Select); coding-DNA position 5557, T replaced by C.
Protein change: p.Cys1853Arg; replaces cysteine 1853 with arginine.
Molecular consequence: missense variant. On other transcripts: non-coding transcript variant (1), intron variant (2).
Genome position (GRCh38, 1-based): chr13:32,339,912, T>C. VCF-style: chr13-32339912-T-C. GRCh37 (hg19) VCF-style: chr13-32914049-T-C.
Other names: c.5557T>C, p.Cys1853Arg (NM_001406719.1, NM_001406720.1); c.1910-4646T>C (NM_001406721.1); c.425-4646T>C (NM_001406722.1); short protein forms C1853R.
Identifiers: ClinVar variation 3075629 (VCV003075629.1), dbSNP rs1238686039, ClinGen allele CA387785966.

ClinVar aggregate classification (germline): Uncertain significance (1 of 4 stars; one submission).

Conditions:
Breast-ovarian cancer, familial, susceptibility to, 2 (BROVCA2). Also called: BRCA2 Hereditary Breast and Ovarian Cancer. Identifiers: Orphanet 145, MedGen C2675520, MONDO:0012933, OMIM 612555. Disease mechanism: loss of function.

Allele frequency attached by ClinVar (database versions not stated): gnomAD exomes below 0.00001.
gnomAD v4.1: 1 of 1,608,470 alleles (0.000062%); highest among the groups gnomAD compares: South Asian, 0.0011%; no homozygotes.

Submission:

All of Us Research Program, National Institutes of Health
Classification: Uncertain significance for Breast-ovarian cancer, familial, susceptibility to, 2. Last evaluated: 2023-05-16. Review status: criteria provided, single submitter. Criteria: ACMG Guidelines, 2015. Collection method: clinical testing. Allele origin: germline. Inheritance: Autosomal dominant inheritance. Observed: 1 variant allele, 1 heterozygote.
Comment: This missense variant replaces cysteine with arginine at codon 1853 of the BRCA2 protein. Computational prediction suggests that this variant may not impact protein structure and function (internally defined REVEL score threshold <= 0.5, PMID: 27666373). To our knowledge, functional studies have not been reported for this variant. This variant has not been reported in individuals affected with BRCA2-related disorders in the literature. This variant has been identified in 1/247660 chromosomes in the general population by the Genome Aggregation Database (gnomAD). The available evidence is insufficient to determine the role of this variant in disease conclusively. Therefore, this variant is classified as a Variant of Uncertain Significance.

This study involves interpretation of variants in research participants for the purpose of population health screening. Participant phenotype was not available at the time of variant classification. Additional details can be found in publication PMID: 35346344, PMCID: PMC8962531